The following is an entry in ClinVar:

NM_031294.4(DRC3):c.1363G>A (p.Gly455Arg)

Genes: ATPAF2 (ATP synthase mitochondrial F1 complex assembly factor 2; minus strand), DRC3 (dynein regulatory complex subunit 3; plus strand). Cytogenetic location: 17p11.2.
Variant type: single nucleotide variant.
Coding change: c.1363G>A on transcript NM_031294.4 (MANE Select); coding-DNA position 1363, G replaced by A.
Protein change: p.Gly455Arg; replaces glycine 455 with arginine.
Molecular consequence: missense variant.
Genome position (GRCh38, 1-based): chr17:18,016,100, G>A. VCF-style: chr17-18016100-G-A. GRCh37 (hg19) VCF-style: chr17-17919414-G-A.
Other names: c.1363G>A, p.Gly455Arg (NM_001130090.1); short protein forms G455R.
Identifiers: ClinVar variation 2647537 (VCV002647537.24), dbSNP rs200381151, ClinGen allele CA8421661.

ClinVar aggregate classification (germline): Likely benign (1 of 4 stars; one submission).

Allele frequency attached by ClinVar (database versions not stated): 1000 Genomes Project 0.00280; 1000 Genomes Project 30x 0.00312; ExAC 0.00620; gnomAD 0.00699; TOPMed 0.00734; ESP Exome Variant Server 0.00777; gnomAD exomes 0.00895.
gnomAD v4.1: 14,046 of 1,613,822 alleles (0.87%); highest among the groups gnomAD compares: Non-Finnish European, 1.1%; 90 homozygotes.

Submission:

CeGaT Center for Human Genetics Tuebingen
Classification: Likely benign. Last evaluated: 2023-01-01. Review status: criteria provided, single submitter. Criteria: CeGaT Center For Human Genetics Tuebingen Variant Classification Criteria Version 2. Collection method: clinical testing. Allele origin: germline. Affected: yes. Observed: 1 variant allele.
Comment: DRC3: BS2